The following is an entry in ClinVar:

ClinVar aggregate classification (germline): Pathogenic (1 of 4 stars; one submission).

Submission:

Labcorp Genetics (formerly Invitae), Labcorp
Classification: Pathogenic. Last evaluated: 2019-11-09. Review status: criteria provided, single submitter. Criteria: Invitae Variant Classification Sherloc (09022015). Collection method: clinical testing. Allele origin: germline.
Comment: For these reasons, this variant has been classified as Pathogenic. Loss-of-function variants in ERCC8 are known to be pathogenic (PMID: 19894250, 21108394). This variant has not been reported in the literature in individuals with ERCC8-related conditions. This variant is not present in population databases (ExAC no frequency). This sequence change creates a premature translational stop signal (p.Pro151Serfs*17) in the ERCC8 gene. It is expected to result in an absent or disrupted protein product.

Literature cited by the submitters: PubMed 19894250; PubMed 21108394.

NM_000082.4(ERCC8):c.440_449dup (p.Pro151fs)

Gene: ERCC8 (ERCC excision repair 8, CSA ubiquitin ligase complex subunit; minus strand). Cytogenetic location: 5q12.1.
Variant type: Duplication.
Coding change: c.440_449dup on transcript NM_000082.4 (MANE Select); coding-DNA positions 440 to 449, 10 bases duplicated (ATCATATGTC; older notation c.440_449dupATCATATGTC).
Protein change: p.Pro151fs; shifts the reading frame from proline 151.
Molecular consequence: frameshift variant. On other transcripts: intron variant (1).
Genome position (GRCh38, 1-based): chr5:60,904,824-60,904,833, GACATATGAT duplicated on the plus strand (ATCATATGTC on the coding strand, the reverse complement: ERCC8 is on the minus strand); duplicating any 10 consecutive bases within chr5:60,904,824-60,904,836 gives the same sequence; the c. name uses the placement nearest the transcript's 3' end. VCF-style (leftmost placement, unchanged base first): chr5-60904823-A-AGACATATGAT. GRCh37 (hg19) VCF-style: chr5-60200650-A-AGACATATGAT.
Other names: c.266_275dup, p.Pro93fs (NM_001007233.3); c.440_449dup, p.Pro151fs (NM_001007234.3); c.23-1117_23-1108dup (NM_001290285.2); short protein forms P93fs, P151fs.
Identifiers: ClinVar variation 969738 (VCV000969738.7), dbSNP rs1749022593, ClinGen allele CA1139658864.
Genomic context (GRCh38, chr5:60,904,823, plus strand): 5'-TCAAAAGACAAAAGAATACACTTACAAACCTGCTACCAAACAGTGCTTGGTGGAGACTGG[A>AGACATATGAT]GACATATGATGACTATAAACTGTTTCCTCAAAATTAAATACATCTGCAGTCTGGTAATCA-3'